The following is an entry in ClinVar:

ClinVar aggregate classification (germline): Conflicting classifications of pathogenicity. Review status: criteria provided, conflicting classifications (1 of 4 stars). 3 submissions from 3 submitters: Uncertain significance (1); Benign (1); Likely benign (1). Last evaluated 2026-02-01.

Conditions:
Focal segmental glomerulosclerosis 5 (FSGS5). Identifiers: Orphanet 656, MedGen C2750475, MONDO:0013191, OMIM 613237.
Charcot-Marie-Tooth disease dominant intermediate E. Also called: CHARCOT-MARIE-TOOTH NEUROPATHY WITH FOCAL SEGMENTAL GLOMERULONEPHRITIS. Identifiers: Orphanet 93114, MedGen C4302667, MONDO:0013758, OMIM 614455.

Allele frequency attached by ClinVar (database versions not stated): gnomAD exomes 0.00004; ExAC 0.00009.

Submissions (3):

CeGaT Center for Human Genetics Tuebingen
Classification: Benign. Last evaluated: 2026-02-01. Review status: criteria provided, single submitter. Criteria: CeGaT Center For Human Genetics Tuebingen Variant Classification Criteria Version 2. Collection method: clinical testing. Allele origin: germline. Affected: yes. Observed: 2 variant alleles.
Comment: INF2: BP4, BS1, BS2

Labcorp Genetics (formerly Invitae), Labcorp
Classification: Likely benign for Charcot-Marie-Tooth disease dominant intermediate E; Focal segmental glomerulosclerosis 5. Last evaluated: 2025-02-07. Review status: criteria provided, single submitter. Criteria: Invitae Variant Classification Sherloc (09022015). Collection method: clinical testing. Allele origin: germline.

GeneDx
Classification: Uncertain significance. Last evaluated: 2024-09-17. Review status: criteria provided, single submitter. Criteria: GeneDx Variant Classification Process June 2021. Collection method: clinical testing. Allele origin: germline. Affected: yes.
Comment: In silico analysis indicates that this missense variant does not alter protein structure/function; Has not been previously published as pathogenic or benign to our knowledge

NM_022489.4(INF2):c.1286T>C (p.Leu429Pro)

Gene: INF2 (inverted formin 2; plus strand). Cytogenetic location: 14q32.33.
Variant type: single nucleotide variant.
Coding change: c.1286T>C on transcript NM_022489.4 (MANE Select); coding-DNA position 1286, T replaced by C.
Protein change: p.Leu429Pro; replaces leucine 429 with proline.
Molecular consequence: missense variant.
Genome position (GRCh38, 1-based): chr14:104,707,553, T>C. VCF-style: chr14-104707553-T-C. GRCh37 (hg19) VCF-style: chr14-105173890-T-C.
Other names: c.1286T>C, p.Leu429Pro (NM_001031714.4); c.1286T>C (NM_022489.3); short protein forms L429P.
Identifiers: ClinVar variation 1517657 (VCV001517657.17), dbSNP rs755557218, ClinGen allele CA7372550.
Genomic context (GRCh38, chr14:104,707,553, plus strand): 5'-CGCAGCCCAGAGCCCTGGAGCAGCAGGCGTCCACCCCACCCCCACCCCCACCCCCACCCC[T>C]GCTCCCTGGTTCCAGTGCCGAGCCCCCTCCCCCTCCCCCACCACCCCCCCTGCCCAGTGT-3'
Protein context (NP_071934.3, residues 419-439): STPPPPPPPP[Leu429Pro]LPGSSAEPPP